The following is an entry in ClinVar:

NM_025137.4(SPG11):c.3292G>T (p.Val1098Phe)

Gene: SPG11 (SPG11 vesicle trafficking associated, spatacsin; minus strand). Cytogenetic location: 15q21.1.
Variant type: single nucleotide variant.
Coding change: c.3292G>T on transcript NM_025137.4 (MANE Select); coding-DNA position 3292, G replaced by T.
Protein change: p.Val1098Phe; replaces valine 1098 with phenylalanine.
Molecular consequence: missense variant.
Genome position (GRCh38, 1-based): chr15:44,608,605, C>A on the plus strand (G>T on the coding strand, the complement: SPG11 is on the minus strand). VCF-style: chr15-44608605-C-A. GRCh37 (hg19) VCF-style: chr15-44900803-C-A.
Other names: c.3292G>T, p.Val1098Phe (NM_001160227.2, NM_001411132.1); short protein forms V1098F.
Identifiers: ClinVar variation 2006865 (VCV002006865.4), dbSNP rs751092147, ClinGen allele CA7535004.

ClinVar aggregate classification (germline): Uncertain significance (1 of 4 stars; one submission).

Conditions:
Hereditary spastic paraplegia 11. Also called: Nakamura Osame syndrome; Autosomal recessive hereditary spastic paraplegia, mental impairment, and thin corpus callosum; SPASTIC PARAPLEGIA, AUTOSOMAL RECESSIVE, COMPLICATED, WITH THIN CORPUS CALLOSUM; SPASTIC PARAPLEGIA, AUTOSOMAL RECESSIVE, WITH MENTAL IMPAIRMENT AND THIN CORPUS CALLOSUM; Spastic Paraplegia 11; Spastic paraplegia, mental retardation and thin corpus callosum. Identifiers: Orphanet 2822, MedGen C1858479, MONDO:0011445, OMIM 604360.

Allele frequency attached by ClinVar (database versions not stated): ExAC 0.00001.

Submission:

Labcorp Genetics (formerly Invitae), Labcorp
Classification: Uncertain significance for Hereditary spastic paraplegia 11. Last evaluated: 2024-01-22. Review status: criteria provided, single submitter. Criteria: Invitae Variant Classification Sherloc (09022015). Collection method: clinical testing. Allele origin: germline.
Comment: This sequence change replaces valine, which is neutral and non-polar, with phenylalanine, which is neutral and non-polar, at codon 1098 of the SPG11 protein (p.Val1098Phe). This variant is not present in population databases (gnomAD no frequency). This variant has not been reported in the literature in individuals affected with SPG11-related conditions. ClinVar contains an entry for this variant (Variation ID: 2006865). An algorithm developed to predict the effect of missense changes on protein structure and function (PolyPhen-2) suggests that this variant is likely to be disruptive. In summary, the available evidence is currently insufficient to determine the role of this variant in disease. Therefore, it has been classified as a Variant of Uncertain Significance.